The following is an entry in ClinVar:

ClinVar aggregate classification (germline): Benign/Likely benign. Review status: criteria provided, multiple submitters, no conflicts (2 of 4 stars). 6 submissions from 6 submitters: Benign (2); Likely benign (4). Last evaluated 2026-02-02.

Conditions:
Meckel-Gruber syndrome. Also called: DYSENCEPHALIA SPLANCHNOCYSTICA; GRUBER SYNDROME; Dysencephalia splachnocystica. Identifiers: Orphanet 564, MedGen C0265215, MONDO:0018921.
Joubert syndrome. Also called: CEREBELLOPARENCHYMAL DISORDER IV; JOUBERT-BOLTSHAUSER SYNDROME; Familial aplasia of the vermis. Identifiers: Orphanet 475, MedGen C5979921, MONDO:0018772.
Joubert syndrome 13 (JBTS13). Identifiers: Orphanet 475, MedGen C3280031, MONDO:0013608, OMIM 614173.

Allele frequency attached by ClinVar (database versions not stated): ESP Exome Variant Server 0.00017; gnomAD exomes 0.00057 and 0.00246; gnomAD 0.00066 and 0.00073; 1000 Genomes Project 0.00120; 1000 Genomes Project 30x 0.00141; TOPMed 0.00151; ExAC 0.00204.
gnomAD v4.1: 919 of 1,604,468 alleles (0.057%); highest among the groups gnomAD compares: Admixed American, 0.98%; 9 homozygotes.

Submissions (6):

Labcorp Genetics (formerly Invitae), Labcorp
Classification: Benign for Joubert syndrome; Meckel-Gruber syndrome. Last evaluated: 2026-02-02. Review status: criteria provided, single submitter. Criteria: Invitae Variant Classification Sherloc (09022015). Collection method: clinical testing. Allele origin: germline.

Fulgent Genetics
Classification: Likely benign for Joubert syndrome 13. Last evaluated: 2022-01-19. Review status: criteria provided, single submitter. Criteria: ACMG Guidelines, 2015. Collection method: clinical testing. Allele origin: unknown.

GeneDx
Classification: Benign. Last evaluated: 2018-02-16. Review status: criteria provided, single submitter. Criteria: GeneDx Variant Classification (06012015). Collection method: clinical testing. Allele origin: germline. Affected: yes.
Comment: This variant is considered likely benign or benign based on one or more of the following criteria: it is a conservative change, it occurs at a poorly conserved position in the protein, it is predicted to be benign by multiple in silico algorithms, and/or has population frequency not consistent with disease.

Illumina Laboratory Services, Illumina
Classification: Likely benign for Joubert syndrome 13. Last evaluated: 2018-01-13. Review status: criteria provided, single submitter. Criteria: ICSL Variant Classification Criteria 13 December 2019. Collection method: clinical testing. Allele origin: germline.
Comment: This variant was observed in the ICSL laboratory as part of a predisposition screen in an ostensibly healthy population. It had not been previously curated by ICSL or reported in the Human Gene Mutation Database (HGMD: prior to June 1st, 2018), and was therefore a candidate for classification through an automated scoring system. Utilizing variant allele frequency, disease prevalence and penetrance estimates, and inheritance mode, an automated score was calculated to assess if this variant is too frequent to cause the disease. Based on the score and internal cut-off values, a variant classified as likely benign is not then subjected to further curation. The score for this variant resulted in a classification of likely benign for this disease.

Eurofins Ntd Llc (ga)
Classification: Likely benign. Last evaluated: 2017-10-24. Review status: criteria provided, single submitter. Criteria: EGL Classification Definitions 2015. Collection method: clinical testing. Allele origin: germline. Observed: 2 variant alleles, 2 heterozygotes.

Breakthrough Genomics
Classification: Likely benign. Review status: criteria provided, single submitter. Criteria: ACMG Guidelines, 2015. Collection method: not provided. Allele origin: germline. Inheritance: Autosomal recessive inheritance. Affected: yes.

NM_001082538.3(TCTN1):c.488C>A (p.Ser163Tyr)

Gene: TCTN1 (tectonic family member 1; plus strand). Cytogenetic location: 12q24.11.
Variant type: single nucleotide variant.
Coding change: c.488C>A on transcript NM_001082538.3 (MANE Select); coding-DNA position 488, C replaced by A.
Protein change: p.Ser163Tyr; replaces serine 163 with tyrosine.
Molecular consequence: missense variant. On other transcripts: 5 prime UTR variant (1), non-coding transcript variant (1).
Genome position (GRCh38, 1-based): chr12:110,628,782, C>A. VCF-style: chr12-110628782-C-A. GRCh37 (hg19) VCF-style: chr12-111066587-C-A.
Other names: c.488C>A, p.Ser163Tyr (NM_001082537.3, NM_001319680.2, NM_024549.6); c.320C>A, p.Ser107Tyr (NM_001173975.3, NM_001319682.3); c.308C>A, p.Ser103Tyr (NM_001173976.2); c.-47C>A (NM_001319681.2); short protein forms S163Y, S103Y, S107Y.
Identifiers: ClinVar variation 197179 (VCV000197179.22), dbSNP rs117896500, ClinGen allele CA245173.
Genomic context (GRCh38, chr12:110,628,782, plus strand): 5'-ATATATTTTATACCGATTTAAAATACTGTTTTTTTTAAAAAACAGATAAACCTGCATTAT[C>A]CTTTATTAATCCAGAAGTACCTGATGAAAACAATTTTGATACATTGATGAAAACATCTGA-3'
Protein context (NP_001076007.1, residues 153-173): IHITNYKPAL[Ser163Tyr]FINPEVPDEN